The following is an entry in ClinVar:

NM_000016.6(ACADM):c.388-1G>A

Gene: ACADM (acyl-CoA dehydrogenase medium chain; plus strand). Cytogenetic location: 1p31.1.
Variant type: single nucleotide variant.
Coding change: c.388-1G>A on transcript NM_000016.6 (MANE Select); the canonical splice acceptor site of the intron before coding-DNA position 388, G replaced by A.
Molecular consequence: splice acceptor variant. On other transcripts: intron variant (1).
Genome position (GRCh38, 1-based): chr1:75,734,790, G>A. VCF-style: chr1-75734790-G-A. GRCh37 (hg19) VCF-style: chr1-76200475-G-A.
Other names: c.388-1G>A (NM_000016.5); c.400-1G>A (NM_001127328.3); c.487-1G>A (NM_001286043.2); c.280-1G>A (NM_001286042.2); c.-100+1868G>A (NM_001286044.2).
Identifiers: ClinVar variation 1067987 (VCV001067987.8), dbSNP rs2100370448, ClinGen allele CA340812780.
Genomic context (GRCh38, chr1:75,734,790, plus strand): 5'-CTCTGAATTTACATATCCAATAAAAATGACTTGATTTTTTAATGTCAATTTTCTTCGGTA[G>A]CAAATGCCTATTATTATTGCTGGAAATGATCAACAAAAGAAGAAGTATTTGGGGAGAATG-3'

ClinVar aggregate classification (germline): Likely pathogenic. Review status: criteria provided, multiple submitters, no conflicts (2 of 4 stars). 2 submissions from 2 submitters: Likely pathogenic (2). Last evaluated 2025-12-01.

Conditions:
Medium-chain acyl-coenzyme A dehydrogenase deficiency (ACADMD). Also called: MCADH DEFICIENCY; MCADD; MCAD Deficiency; ACADM DEFICIENCY; CARNITINE DEFICIENCY SECONDARY TO MEDIUM-CHAIN ACYL-CoA DEHYDROGENASE DEFICIENCY; Medium chain acyl-CoA dehydrogenase deficiency. Identifiers: Orphanet 42, MedGen C0220710, MONDO:0008721, OMIM 201450.

Submissions (2):

Natera, Inc.
Classification: Likely pathogenic for Medium Chain Acyl-CoA Dehydrogenase Deficiency. Last evaluated: 2025-12-01. Review status: criteria provided, single submitter. Criteria: Natera Variant Classification Schema (03/2026). Collection method: clinical testing. Allele origin: germline.
Comment: The c.388-1G>A variant in ACADM is a canonical splice acceptor site variant predicted to affect pre-mRNA splicing, which may result in an abnormal transcript and altered protein product. This variant is expected to result in nonsense mediated decay, truncation, or a dysfunctional protein product. This variant is rare in the general population with a frequency below the threshold expected for the associated phenotype(s). Given the available evidence, this variant is classified as Likely Pathogenic.

Labcorp Genetics (formerly Invitae), Labcorp
Classification: Likely pathogenic for Medium-chain acyl-coenzyme A dehydrogenase deficiency. Last evaluated: 2020-03-10. Review status: criteria provided, single submitter. Criteria: Invitae Variant Classification Sherloc (09022015). Collection method: clinical testing. Allele origin: germline.
Comment: This variant has not been reported in the literature in individuals with ACADM-related conditions. This variant is not present in population databases (ExAC no frequency). This sequence change affects an acceptor splice site in intron 5 of the ACADM gene. It is expected to disrupt RNA splicing and likely results in an absent or disrupted protein product. Algorithms developed to predict the effect of sequence changes on RNA splicing suggest that this variant may disrupt the consensus splice site, but this prediction has not been confirmed by published transcriptional studies. In summary, the currently available evidence indicates that the variant is pathogenic, but additional data are needed to prove that conclusively. Therefore, this variant has been classified as Likely Pathogenic. Donor and acceptor splice site variants typically lead to a loss of protein function (PMID: 16199547), and loss-of-function variants in ACADM are known to be pathogenic (PMID: 16121256, 20434380).

Literature cited by the submitters: PubMed 16199547 (cited by Labcorp Genetics (formerly Invitae), Labcorp); PubMed 16121256 (cited by Labcorp Genetics (formerly Invitae), Labcorp); PubMed 20434380 (cited by Labcorp Genetics (formerly Invitae), Labcorp).